The following is an entry in ClinVar:

ClinVar aggregate classification (germline): Likely benign. Review status: criteria provided, multiple submitters, no conflicts (2 of 4 stars). 3 submissions from 3 submitters: Likely benign (2). 1 of the submissions does not count toward it. Last evaluated 2026-06-01.

Conditions:
ANKRD17-related disorder. Also called: ANKRD17-related condition.

Allele frequency attached by ClinVar (database versions not stated): 1000 Genomes Project 0.00140; 1000 Genomes Project 30x 0.00156; ESP Exome Variant Server 0.00177; ExAC 0.00190.
gnomAD v4.1: 2,833 of 1,599,918 alleles (0.18%); highest among the groups gnomAD compares: Admixed American, 0.25%; 9 homozygotes.

Submissions (3):

CeGaT Center for Human Genetics Tuebingen
Classification: Likely benign. Last evaluated: 2026-06-01. Review status: criteria provided, single submitter. Criteria: CeGaT Center For Human Genetics Tuebingen Variant Classification Criteria Version 2. Collection method: clinical testing. Allele origin: germline. Affected: yes. Observed: 2 variant alleles.
Comment: ANKRD17: BP4, BP7

Blueprint Genetics
Classification: Likely benign. Last evaluated: 2024-10-30. Review status: criteria provided, single submitter. Criteria: ACMG Guidelines, 2015. Collection method: clinical testing. Allele origin: germline.

PreventionGenetics, part of Exact Sciences
Classification: Likely benign for ANKRD17-related condition. Last evaluated: 2022-11-17. Review status: no assertion criteria provided. Collection method: clinical testing. Allele origin: germline. Not counted in ClinVar's aggregate classification.
Comment: This variant is classified as likely benign based on ACMG/AMP sequence variant interpretation guidelines (Richards et al. 2015 PMID: 25741868, with internal and published modifications).

NM_032217.5(ANKRD17):c.3504A>G (p.Leu1168=)

Gene: ANKRD17 (ankyrin repeat domain 17; minus strand). Cytogenetic location: 4q13.3.
Variant type: single nucleotide variant.
Coding change: c.3504A>G on transcript NM_032217.5 (MANE Select); coding-DNA position 3504, A replaced by G.
Protein change: p.Leu1168=; no amino-acid change (leucine 1168 retained).
Molecular consequence: synonymous variant.
Genome position (GRCh38, 1-based): chr4:73,121,748, T>C on the plus strand (A>G on the coding strand, the complement: ANKRD17 is on the minus strand). VCF-style: chr4-73121748-T-C. GRCh37 (hg19) VCF-style: chr4-73987465-T-C.
Other names: c.2751A>G, p.Leu917= (NM_198889.3); c.3165A>G, p.Leu1055= (NM_001286771.3); c.3501A>G, p.Leu1167= (NM_015574.2).
Identifiers: ClinVar variation 3049462 (VCV003049462.7), dbSNP rs115855277, ClinGen allele CA2958507.